The following is an entry in ClinVar:

NM_000179.3(MSH6):c.3797A>G (p.His1266Arg)

Gene: MSH6 (mutS homolog 6; plus strand). Cytogenetic location: 2p16.3.
Variant type: single nucleotide variant.
Coding change: c.3797A>G on transcript NM_000179.3 (MANE Select); coding-DNA position 3797, A replaced by G.
Protein change: p.His1266Arg; replaces histidine 1266 with arginine.
Molecular consequence: missense variant.
Genome position (GRCh38, 1-based): chr2:47,806,354, A>G. VCF-style: chr2-47806354-A-G. GRCh37 (hg19) VCF-style: chr2-48033493-A-G.
Other names: c.3407A>G, p.His1136Arg (NM_001281492.2); c.2891A>G, p.His964Arg (NM_001281493.2, NM_001281494.2); short protein forms H1266R, H964R, H1136R.
Identifiers: ClinVar variation 449065 (VCV000449065.26), dbSNP rs760023025, ClinGen allele CA346761190.

ClinVar aggregate classification (germline): Conflicting classifications of pathogenicity. Review status: criteria provided, conflicting classifications (1 of 4 stars). 7 submissions from 7 submitters: Uncertain significance (5); Likely benign (2). Last evaluated 2026-02-27.

Conditions:
Hereditary nonpolyposis colorectal neoplasms. Identifiers: MedGen C0009405, MeSH D003123.
Hereditary cancer-predisposing syndrome. Also called: Hereditary Cancer Syndrome; Tumor predisposition; Hereditary neoplastic syndrome; Neoplastic Syndromes, Hereditary. Identifiers: Orphanet 140162, MedGen C0027672, MeSH D009386, MONDO:0015356.
Lynch syndrome. Identifiers: Orphanet 144, MedGen C4552100, MONDO:0005835. Disease mechanism: loss of function.
Lynch syndrome 5 (LYNCH5). Also called: Hereditary non-polyposis colorectal cancer, type 5; Colorectal cancer, hereditary nonpolyposis, type 5. Identifiers: Orphanet 144, MedGen C1833477, MONDO:0013710, OMIM 614350. Disease mechanism: loss of function.

gnomAD v4.1: 4 of 1,614,146 alleles (0.00025%); highest among the groups gnomAD compares: Non-Finnish European, 0.00034%; no homozygotes.

Submissions (7):

Dasa
Classification: Uncertain significance for Lynch syndrome. Last evaluated: 2026-02-27. Review status: criteria provided, single submitter. Criteria: DASA Assertion Criteria. Collection method: clinical testing. Allele origin: germline.
Comment: NM_000179.3(MSH6):c.3797A>G (p.His1266Arg) is a missense variant that results in the substitution of histidine with arginine. This variant is rare in population databases. Computational prediction algorithms are consistent with a deleterious effect. The currently available literature and clinical evidence are not sufficient to establish a definitive association between this variant and the reported condition. Therefore, this variant is classified as a variant of uncertain significance.

Labcorp Genetics (formerly Invitae), Labcorp
Classification: Likely benign for Hereditary nonpolyposis colorectal neoplasms. Last evaluated: 2026-01-20. Review status: criteria provided, single submitter. Criteria: Invitae Variant Classification Sherloc (09022015). Collection method: clinical testing. Allele origin: germline.

Myriad Genetics, Inc.
Classification: Likely benign for Lynch syndrome 5. Last evaluated: 2025-01-08. Review status: criteria provided, single submitter. Criteria: Myriad Autosomal Dominant, Autosomal Recessive and X-Linked Classification Criteria (2023). Collection method: clinical testing. Allele origin: unknown.
Comment: This variant is considered likely benign. This variant has been observed in trans with a known pathogenic variant in one or more individuals lacking clinical features consistent with gene-specific recessive disease.

All of Us Research Program, National Institutes of Health
Classification: Uncertain significance for Lynch syndrome. Last evaluated: 2024-07-20. Review status: criteria provided, single submitter. Criteria: ACMG Guidelines, 2015. Collection method: clinical testing. Allele origin: germline. Inheritance: Autosomal dominant inheritance. Observed: 3 variant alleles, 3 heterozygotes.
Comment: This missense variant replaces histidine with arginine at codon 1266 of the MSH6 protein. Computational prediction suggests that this variant may have deleterious impact on protein structure and function (internally defined REVEL score threshold >= 0.7, PMID: 27666373). To our knowledge, functional studies have not been reported for this variant. This variant has not been reported in individuals affected with MSH6-related disorders in the literature. This variant has not been identified in the general population by the Genome Aggregation Database (gnomAD). The available evidence is insufficient to determine the role of this variant in disease conclusively. Therefore, this variant is classified as a Variant of Uncertain Significance.

This study involves interpretation of variants in research participants for the purpose of population health screening. Participant phenotype was not available at the time of variant classification. Additional details can be found in publication PMID: 35346344, PMCID: PMC8962531

Color Diagnostics, LLC DBA Color Health
Classification: Uncertain significance for Hereditary cancer-predisposing syndrome. Last evaluated: 2024-07-10. Review status: criteria provided, single submitter. Criteria: ACMG Guidelines, 2015. Collection method: clinical testing. Allele origin: germline.
Comment: This missense variant replaces histidine with arginine at codon 1266 of the MSH6 protein. Computational prediction suggests that this variant may have deleterious impact on protein structure and function (internally defined REVEL score threshold >= 0.7, PMID: 27666373). To our knowledge, functional studies have not been reported for this variant. This variant has not been reported in individuals affected with MSH6-related disorders in the literature. This variant has not been identified in the general population by the Genome Aggregation Database (gnomAD). The available evidence is insufficient to determine the role of this variant in disease conclusively. Therefore, this variant is classified as a Variant of Uncertain Significance.

Ambry Genetics
Classification: Uncertain significance for Hereditary cancer-predisposing syndrome. Last evaluated: 2024-03-21. Review status: criteria provided, single submitter. Criteria: Ambry Variant Classification Scheme 2023. Collection method: clinical testing. Allele origin: germline.
Comment: The p.H1266R variant (also known as c.3797A>G), located in coding exon 8 of the MSH6 gene, results from an A to G substitution at nucleotide position 3797. The histidine at codon 1266 is replaced by arginine, an amino acid with highly similar properties. This amino acid position is highly conserved in available vertebrate species. In addition, this alteration is predicted to be deleterious by in silico analysis. Since supporting evidence is limited at this time, the clinical significance of this alteration remains unclear.

GeneDx
Classification: Uncertain significance. Last evaluated: 2022-07-28. Review status: criteria provided, single submitter. Criteria: GeneDx Variant Classification Process June 2021. Collection method: clinical testing. Allele origin: germline. Affected: yes.
Comment: Not observed at significant frequency in large population cohorts (gnomAD); In silico analysis supports that this missense variant has a deleterious effect on protein structure/function; Has not been previously published as pathogenic or benign to our knowledge; This variant is associated with the following publications: (PMID: 17531815, 21120944)